The following is an entry in ClinVar:

ClinVar aggregate classification (germline): Benign/Likely benign. Review status: criteria provided, multiple submitters, no conflicts (2 of 4 stars). 2 submissions from 2 submitters: Benign (1); Likely benign (1). Last evaluated 2018-06-28.

Conditions:
Cataract 5 multiple types (CTRCT5). Also called: CATARACT, MARNER TYPE; CATARACT 5, LAMELLAR; Lamellar cataract. Identifiers: Orphanet 91492, MedGen C0266537, MONDO:0007290, OMIM 116800, HP:0007971.

Allele frequency attached by ClinVar (database versions not stated): 1000 Genomes Project 30x 0.00203; TOPMed 0.00443; gnomAD 0.00586 and 0.00612; 1000 Genomes Project 0.00220.
gnomAD v4.1: 9,785 of 1,399,744 alleles (0.7%); highest among the groups gnomAD compares: Non-Finnish European, 0.81%; 52 homozygotes.

Submissions (2):

GeneDx
Classification: Likely benign. Last evaluated: 2018-06-28. Review status: criteria provided, single submitter. Criteria: GeneDx Variant Classification Process June 2021. Collection method: clinical testing. Allele origin: germline. Affected: yes.

Illumina Laboratory Services, Illumina
Classification: Benign for Cataract 5 multiple types. Last evaluated: 2018-01-12. Review status: criteria provided, single submitter. Criteria: ICSL Variant Classification Criteria 13 December 2019. Collection method: clinical testing. Allele origin: germline.
Comment: This variant was observed in the ICSL laboratory as part of a predisposition screen in an ostensibly healthy population. It had not been previously curated by ICSL or reported in the Human Gene Mutation Database (HGMD: prior to June 1st, 2018), and was therefore a candidate for classification through an automated scoring system. Utilizing variant allele frequency, disease prevalence and penetrance estimates, and inheritance mode, an automated score was calculated to assess if this variant is too frequent to cause the disease. Based on the score and internal cut-off values, a variant classified as benign is not then subjected to further curation. The score for this variant resulted in a classification of benign for this disease.

NM_001374675.1(HSF4):c.*89G>T

Gene: HSF4 (heat shock transcription factor 4; plus strand). Cytogenetic location: 16q22.1.
Variant type: single nucleotide variant.
Coding change: c.*89G>T on transcript NM_001374675.1 (MANE Select); 89 bases downstream of the stop codon, G replaced by T.
Molecular consequence: 3 prime UTR variant.
Genome position (GRCh38, 1-based): chr16:67,169,874, G>T. VCF-style: chr16-67169874-G-T. GRCh37 (hg19) VCF-style: chr16-67203777-G-T.
Other names: c.*89G>T (NM_001040667.3, NM_001374674.1, NM_001538.4).
Identifiers: ClinVar variation 320193 (VCV000320193.7), dbSNP rs11642409, ClinGen allele CA10644082.